The following is an entry in ClinVar:

ClinVar aggregate classification (germline): Uncertain significance. Review status: criteria provided, multiple submitters, no conflicts (2 of 4 stars). 2 submissions from 2 submitters: Uncertain significance (2). Last evaluated 2025-07-24.

Conditions:
Retinoblastoma (RB1). Also called: RETINOBLASTOMA, SOMATIC. Identifiers: Orphanet 790, MedGen C0035335, MeSH D012175, MONDO:0008380, OMIM 180200, HP:0009919. Disease mechanism: loss of function. Inheritance: Both sporadic and heritable forms are tested..
Hereditary cancer-predisposing syndrome. Also called: Neoplastic Syndromes, Hereditary; Tumor predisposition; Hereditary neoplastic syndrome; Hereditary Cancer Syndrome. Identifiers: Orphanet 140162, MedGen C0027672, MeSH D009386, MONDO:0015356.

Submissions (2):

Labcorp Genetics (formerly Invitae), Labcorp
Classification: Uncertain significance for Retinoblastoma. Last evaluated: 2025-07-24. Review status: criteria provided, single submitter. Criteria: Invitae Variant Classification Sherloc (09022015). Collection method: clinical testing. Allele origin: germline.
Comment: This sequence change replaces alanine, which is neutral and non-polar, with leucine, which is neutral and non-polar, at codon 14 of the RB1 protein (p.Ala14Leu). Information on the frequency of this variant in the gnomAD database is not available, as this variant may be reported differently in the database. This variant has not been reported in the literature in individuals affected with RB1-related conditions. ClinVar contains an entry for this variant (Variation ID: 2450505). Experimental studies and prediction algorithms are not available or were not evaluated, and the functional significance of this variant is currently unknown. In summary, the available evidence is currently insufficient to determine the role of this variant in disease. Therefore, it has been classified as a Variant of Uncertain Significance.

Ambry Genetics
Classification: Uncertain significance for Hereditary cancer-predisposing syndrome. Last evaluated: 2023-01-10. Review status: criteria provided, single submitter. Criteria: Ambry Variant Classification Scheme 2023. Collection method: clinical testing. Allele origin: germline.
Comment: The c.40_41delGCinsCT variant, located in coding exon 1 of the RB1 gene, results from an in-frame deletion of GC and insertion of CT at nucleotide positions 40 to 41. This results in the substitution of the alanine residue for a leucine residue at codon 14, an amino acid with similar properties. This amino acid position is well conserved in available vertebrate species. In addition, this alteration is predicted to be neutral by in silico analysis (Choi Y et al. PLoS ONE. 2012; 7(10):e46688). Since supporting evidence is limited at this time, the clinical significance of this alteration remains unclear.

NM_000321.3(RB1):c.40_41delinsCT (p.Ala14Leu)

Gene: RB1 (RB transcriptional corepressor 1; plus strand). Cytogenetic location: 13q14.2.
Variant type: Indel.
Coding change: c.40_41delinsCT on transcript NM_000321.3 (MANE Select); coding-DNA positions 40 to 41, GC replaced by CT.
Protein change: p.Ala14Leu; replaces alanine 14 with leucine.
Molecular consequence: missense variant.
Genome position (GRCh38, 1-based): chr13:48,303,952-48,303,953, GC replaced by CT. VCF-style: chr13-48303952-GC-CT. GRCh37 (hg19) VCF-style: chr13-48878088-GC-CT.
Other names: c.40_41delinsCT, p.Ala14Leu (NM_001407165.1, NM_001407166.1, NM_001407167.1); short protein forms A14L.
Identifiers: ClinVar variation 2450505 (VCV002450505.3), dbSNP rs2542093473, ClinGen allele CA2580087718.